The following is an entry in ClinVar:

NM_002880.4(RAF1):c.1725G>C (p.Lys575Asn)

Gene: RAF1 (Raf-1 proto-oncogene, serine/threonine kinase; minus strand). Cytogenetic location: 3p25.2.
Variant type: single nucleotide variant.
Coding change: c.1725G>C on transcript NM_002880.4 (MANE Select); coding-DNA position 1725, G replaced by C.
Protein change: p.Lys575Asn; replaces lysine 575 with asparagine.
Molecular consequence: missense variant. On other transcripts: non-coding transcript variant (3).
Genome position (GRCh38, 1-based): chr3:12,584,925, C>G on the plus strand (G>C on the coding strand, the complement: RAF1 is on the minus strand). VCF-style: chr3-12584925-C-G. GRCh37 (hg19) VCF-style: chr3-12626424-C-G.
Other names: c.1785G>C, p.Lys595Asn (NM_001354689.3); c.1725G>C, p.Lys575Asn (NM_001354690.3); c.1482G>C, p.Lys494Asn (NM_001354691.3, NM_001354692.3); c.1626G>C, p.Lys542Asn (NM_001354693.3); c.1542G>C, p.Lys514Asn (NM_001354694.3); c.1383G>C, p.Lys461Asn (NM_001354695.3); short protein forms K461N, K542N, K575N, K494N, K514N, K595N.
Identifiers: ClinVar variation 1919677 (VCV001919677.5), dbSNP rs747395643, ClinGen allele CA69602886.

ClinVar aggregate classification (germline): Uncertain significance (1 of 4 stars; one submission).

Conditions:
RASopathy. Also called: rasopathies; Noonan spectrum disorder. Identifiers: Orphanet 536391, MedGen C5555857, MONDO:0021060.

Allele frequency attached by ClinVar (database versions not stated): gnomAD exomes 0.00001.
gnomAD v4.1: 11 of 1,614,198 alleles (0.00068%); highest among the groups gnomAD compares: Non-Finnish European, 0.00085%; no homozygotes.

Submission:

Labcorp Genetics (formerly Invitae), Labcorp
Classification: Uncertain significance for RASopathy. Last evaluated: 2024-03-29. Review status: criteria provided, single submitter. Criteria: Invitae Variant Classification Sherloc (09022015). Collection method: clinical testing. Allele origin: germline.
Comment: This sequence change replaces lysine, which is basic and polar, with asparagine, which is neutral and polar, at codon 575 of the RAF1 protein (p.Lys575Asn). This variant is present in population databases (rs747395643, gnomAD 0.004%). This variant has not been reported in the literature in individuals affected with RAF1-related conditions. ClinVar contains an entry for this variant (Variation ID: 1919677). Advanced modeling of protein sequence and biophysical properties (such as structural, functional, and spatial information, amino acid conservation, physicochemical variation, residue mobility, and thermodynamic stability) performed at Invitae indicates that this missense variant is not expected to disrupt RAF1 protein function with a negative predictive value of 95%. In summary, the available evidence is currently insufficient to determine the role of this variant in disease. Therefore, it has been classified as a Variant of Uncertain Significance.